The following is an entry in ClinVar:

NM_000257.4(MYH7):c.1664del (p.Asn555fs)

Gene: MYH7 (myosin heavy chain 7; minus strand). Cytogenetic location: 14q11.2.
Variant type: Deletion.
Coding change: c.1664del on transcript NM_000257.4 (MANE Select); coding-DNA position 1664, one base deleted (A; older notation c.1664delA).
Protein change: p.Asn555fs; shifts the reading frame from asparagine 555.
Molecular consequence: frameshift variant.
Genome position (GRCh38, 1-based): chr14:23,427,809, T deleted on the plus strand (A on the coding strand, the reverse complement: MYH7 is on the minus strand); the first of 2 consecutive T bases (chr14:23,427,809-23,427,810); deleting either gives the same sequence. VCF-style (leftmost placement, unchanged base first): chr14-23427808-GT-G. GRCh37 (hg19) VCF-style: chr14-23897017-GT-G.
Other names: c.1664del, p.Asn555fs (NM_001407004.1); c.1664delA (NM_000257.4); short protein forms N555fs.
Identifiers: ClinVar variation 4860588 (VCV004860588.1).
Genomic context (GRCh38, chr14:23,427,808, plus strand): 5'-GGCTTCAGGCTTCCCCTTGATATTGCGTGGCTTCTGGAAGTTGGCGGATTTGCCCAGGTG[GT>G]TGTCAAACAGCTTGGCCTTGAAGGTCATGTCGGTGGCCTTGGGGAACATGCACTCCTCTT-3'

ClinVar aggregate classification (germline): Uncertain significance (1 of 4 stars; one submission).

Conditions:
Cardiovascular phenotype. Identifiers: MedGen CN230736.

Submission:

Ambry Genetics
Classification: Uncertain significance for Cardiovascular phenotype. Last evaluated: 2026-05-05. Review status: criteria provided, single submitter. Criteria: Ambry Variant Classification Scheme 2023. Collection method: clinical testing. Allele origin: germline.
Comment: The c.1664delA variant, located in coding exon 14 of the MYH7 gene, results from a deletion of one nucleotide at nucleotide position 1664, causing a translational frameshift with a predicted alternate stop codon (p.N555Tfs*25). This variant is expected to result in protein truncation or nonsense-mediated mRNA decay. However, loss of function has not been established as a mechanism of disease. Based on the available evidence, the clinical significance of this variant remains unclear.